The following is an entry in ClinVar:

ClinVar aggregate classification (germline): Benign. Review status: criteria provided, multiple submitters, no conflicts (2 of 4 stars). 3 submissions from 3 submitters: Benign (3). Last evaluated 2023-11-12.

Allele frequency attached by ClinVar (database versions not stated): gnomAD exomes 0.68330; gnomAD 0.76024 and 0.76431; TOPMed 0.78102; 1000 Genomes Project 30x 0.87117; 1000 Genomes Project 0.87520.
gnomAD v4.1: 629,886 of 903,148 alleles (70%); highest among the groups gnomAD compares: East Asian, 100%; 229,522 homozygotes.

Submissions (3):

Unidad de Genómica Garrahan, Hospital de Pediatría Garrahan
Classification: Benign. Last evaluated: 2023-11-12. Review status: criteria provided, single submitter. Criteria: ACMG Guidelines, 2015. Collection method: clinical testing. Allele origin: germline. Affected: no. Observed: 89 variant alleles.
Comment: This variant is classified as Benign based on local population frequency. This variant was detected in 93% of patients studied by a panel of primary immunodeficiencies. Number of patients: 89. Only high quality variants are reported.

GeneDx
Classification: Benign. Last evaluated: 2018-06-23. Review status: criteria provided, single submitter. Criteria: GeneDx Variant Classification Process June 2021. Collection method: clinical testing. Allele origin: germline. Affected: yes.

Breakthrough Genomics
Classification: Benign. Review status: criteria provided, single submitter. Criteria: ACMG Guidelines, 2015. Collection method: not provided. Allele origin: germline. Inheritance: Autosomal dominant inheritance. Affected: yes.

NM_002524.5(NRAS):c.112-70C>T

Gene: NRAS (NRAS proto-oncogene, GTPase; minus strand). Cytogenetic location: 1p13.2.
Variant type: single nucleotide variant.
Coding change: c.112-70C>T on transcript NM_002524.5 (MANE Select); 70 bases into the intron before coding-DNA position 112, C replaced by T.
Molecular consequence: intron variant.
Genome position (GRCh38, 1-based): chr1:114,714,048, G>A on the plus strand (C>T on the coding strand, the complement: NRAS is on the minus strand). VCF-style: chr1-114714048-G-A. GRCh37 (hg19) VCF-style: chr1-115256669-G-A.
Identifiers: ClinVar variation 1231751 (VCV001231751.6), dbSNP rs969273, ClinGen allele CA29045058.